The following is an entry in ClinVar:

NM_015450.3(POT1):c.72T>A (p.Asn24Lys)

Gene: POT1 (protection of telomeres 1; minus strand). Cytogenetic location: 7q31.33.
Variant type: single nucleotide variant.
Coding change: c.72T>A on transcript NM_015450.3 (MANE Select); coding-DNA position 72, T replaced by A.
Protein change: p.Asn24Lys; replaces asparagine 24 with lysine.
Molecular consequence: missense variant. On other transcripts: 5 prime UTR variant (1), non-coding transcript variant (3).
Genome position (GRCh38, 1-based): chr7:124,892,318, A>T on the plus strand (T>A on the coding strand, the complement: POT1 is on the minus strand). VCF-style: chr7-124892318-A-T. GRCh37 (hg19) VCF-style: chr7-124532372-A-T.
Other names: c.-191T>A (NM_001042594.2); short protein forms N24K.
Identifiers: ClinVar variation 1051123 (VCV001051123.10), dbSNP rs774667836, ClinGen allele CA369066129.

ClinVar aggregate classification (germline): Uncertain significance (1 of 4 stars; one submission).

Conditions:
Tumor predisposition syndrome 3 (TPDS3). Also called: Melanoma, cutaneous malignant, susceptibility to, 10; Glioma susceptibility 9; LONG TELOMERE SYNDROME, POT1-RELATED; POT1 Tumor Predisposition. Identifiers: Orphanet 618, MedGen C4014476, MONDO:0014368, OMIM 615848.

Submission:

Labcorp Genetics (formerly Invitae), Labcorp
Classification: Uncertain significance for Tumor predisposition syndrome 3. Last evaluated: 2020-01-14. Review status: criteria provided, single submitter. Criteria: Invitae Variant Classification Sherloc (09022015). Collection method: clinical testing. Allele origin: germline.
Comment: In summary, the available evidence is currently insufficient to determine the role of this variant in disease. Therefore, it has been classified as a Variant of Uncertain Significance. Algorithms developed to predict the effect of missense changes on protein structure and function are either unavailable or do not agree on the potential impact of this missense change (SIFT: "Deleterious"; PolyPhen-2: "Probably Damaging"; Align-GVGD: "Class C0"). This variant has not been reported in the literature in individuals with POT1-related conditions. This variant is not present in population databases (ExAC no frequency). This sequence change replaces asparagine with lysine at codon 24 of the POT1 protein (p.Asn24Lys). The asparagine residue is highly conserved and there is a moderate physicochemical difference between asparagine and lysine.